The following is an entry in ClinVar:

ClinVar aggregate classification (germline): Uncertain significance (1 of 4 stars; one submission).

Conditions:
Congenital myasthenic syndrome 8. Also called: Myasthenic syndrome, congenital, 8, with pre- and postsynaptic defects; MYASTHENIC SYNDROME, CONGENITAL, DUE TO AGRIN DEFICIENCY. Identifiers: Orphanet 590, MedGen C3808739, MONDO:0014052, OMIM 615120.

Allele frequency attached by ClinVar (database versions not stated): gnomAD exomes below 0.00001.
gnomAD v4.1: 1 of 1,611,468 alleles (0.000062%); highest among the groups gnomAD compares: Non-Finnish European, 0.000085%; no homozygotes.

Submission:

Labcorp Genetics (formerly Invitae), Labcorp
Classification: Uncertain significance for Congenital myasthenic syndrome 8. Last evaluated: 2022-12-23. Review status: criteria provided, single submitter. Criteria: Invitae Variant Classification Sherloc (09022015). Collection method: clinical testing. Allele origin: germline.
Comment: This sequence change replaces glycine, which is neutral and non-polar, with serine, which is neutral and polar, at codon 1707 of the AGRN protein (p.Gly1707Ser). This variant is not present in population databases (gnomAD no frequency). This missense change has been observed in individual(s) with congenital myasthenic syndrome (Invitae). In at least one individual the data is consistent with being in trans (on the opposite chromosome) from a pathogenic variant. Algorithms developed to predict the effect of missense changes on protein structure and function are either unavailable or do not agree on the potential impact of this missense change (SIFT: "Deleterious"; PolyPhen-2: "Probably Damaging"; Align-GVGD: "Class C0"). In summary, the available evidence is currently insufficient to determine the role of this variant in disease. Therefore, it has been classified as a Variant of Uncertain Significance.

NM_198576.4(AGRN):c.5119G>A (p.Gly1707Ser)

Gene: AGRN (agrin; plus strand). Cytogenetic location: 1p36.33.
Variant type: single nucleotide variant.
Coding change: c.5119G>A on transcript NM_198576.4 (MANE Select); coding-DNA position 5119, G replaced by A.
Protein change: p.Gly1707Ser; replaces glycine 1707 with serine.
Molecular consequence: missense variant.
Genome position (GRCh38, 1-based): chr1:1,050,569, G>A. VCF-style: chr1-1050569-G-A. GRCh37 (hg19) VCF-style: chr1-985949-G-A.
Other names: c.5119G>A, p.Gly1707Ser (NM_001305275.2); c.4804G>A, p.Gly1602Ser (NM_001364727.2); short protein forms G1602S, G1707S.
Identifiers: ClinVar variation 2990521 (VCV002990521.3), dbSNP rs2522789185, ClinGen allele CA337780352.
Genomic context (GRCh38, chr1:1,050,569, plus strand): 5'-AAGGGGGACTTCGTGTCGCTGGCACTGCGGGACCGCCGCCTGGAGTTCCGCTACGACCTG[G>A]GCAAGGGGGCAGCGGTCATCAGGTGGGCCGGCAAGGGTGGCTCTGGGAGGCCTGGGGCAC-3'
Protein context (NP_940978.2, residues 1697-1717): DRRLEFRYDL[Gly1707Ser]KGAAVIRSRE